The following is an entry in ClinVar:

ClinVar aggregate classification (germline): Likely pathogenic (1 of 4 stars; one submission).

Conditions:
Oculofaciocardiodental syndrome (MCOPS2). Identifiers: Orphanet 2712, MedGen C1846265, MONDO:0010261, OMIM 300166.

Submission:

Juno Genomics, Hangzhou Juno Genomics, Inc
Classification: Likely pathogenic for Oculofaciocardiodental syndrome. Review status: criteria provided, single submitter. Criteria: ACMG Guidelines, 2015. Collection method: clinical testing. Allele origin: germline. Affected: yes.
Comment: Absent from controls (or at extremely low frequency if recessive) in Genome Aggregation Database, Exome Sequencing Project, 1000 Genomes Project, or Exome Aggregation Consortium.;Null variant in a gene where loss of function (LOF) is a known mechanism of disease.

NM_001123385.2(BCOR):c.165+2T>C

Gene: BCOR (BCL6 corepressor; minus strand). Cytogenetic location: Xp11.4.
Variant type: single nucleotide variant.
Coding change: c.165+2T>C on transcript NM_001123385.2 (MANE Select); the canonical splice donor site of the intron after coding-DNA position 165, T replaced by C.
Molecular consequence: splice donor variant.
Genome position (GRCh38, 1-based): chrX:40,076,452, A>G on the plus strand (T>C on the coding strand, the complement: BCOR is on the minus strand). VCF-style: chrX-40076452-A-G. GRCh37 (hg19) VCF-style: chrX-39935705-A-G.
Other names: c.165+2T>C (NM_001123384.2, NM_001438207.1, NM_001123383.2 and 4 more transcripts).
Identifiers: ClinVar variation 3382752 (VCV003382752.2).